The following is an entry in ClinVar:

NM_000548.5(TSC2):c.4027GAG[1] (p.Glu1344del)

Gene: TSC2 (TSC complex subunit 2; plus strand). Cytogenetic location: 16p13.3.
Variant type: Microsatellite.
Coding change: c.4027GAG[1] on transcript NM_000548.5 (MANE Select); one copy of the 3-base unit GAG starting at c.4027; the reference has two copies in a row; one copy, 3 bases deleted; also written c.4030_4032del.
Protein change: p.Glu1344del; deletes glutamic acid 1344.
Molecular consequence: inframe deletion.
Genome position (GRCh38, 1-based): chr16:2,084,252-2,084,254, GAG deleted; deleting any 3 consecutive bases within chr16:2,084,247-2,084,254 gives the same sequence; the position shown is the placement nearest the transcript's 3' end. VCF-style (leftmost placement, unchanged base first): chr16-2084246-CAGG-C. GRCh37 (hg19) VCF-style: chr16-2134247-CAGG-C.
Other names: c.4030_4032del (NM_000548.5, NM_000548.3); c.3826GAG[1], p.Glu1277del (NM_001077183.3); c.3958GAG[1], p.Glu1321del (NM_001114382.3); c.3718GAG[1], p.Glu1241del (NM_001318827.2); c.3682GAG[1], p.Glu1229del (NM_001318829.2); c.3295GAG[1], p.Glu1100del (NM_001318831.2); c.3859GAG[1], p.Glu1288del (NM_001318832.2); c.3829GAG[1], p.Glu1278del (NM_001363528.2); and 3 more; short protein forms E1344del, E1278del, E1321del, E1241del, E1300del, E1100del, E1288del, E1229del.
Identifiers: ClinVar variation 238039 (VCV000238039.45), dbSNP rs878854100, ClinGen allele CA050188.
Genomic context (GRCh38, chr16:2,084,246, plus strand): 5'-GTGCCTGCTGACAGGGGTTCTCTTTGGGATGGTCCTTTCTAGTCGTCCTCAGTCTCCAGC[CAGG>C]AGGAGAAGTCGCTCCACGCGGAGGAGCTGGTTGGCAGGGGCATCCCCATCGAGCGAGTCG-3'

ClinVar aggregate classification (germline): Conflicting classifications of pathogenicity. Review status: criteria provided, conflicting classifications (1 of 4 stars). 11 submissions from 11 submitters: Uncertain significance (1); Benign (2); Likely benign (7). 1 of the submissions does not count toward it. Last evaluated 2026-01-20.

Conditions:
Tuberous sclerosis 2 (TSC2). Identifiers: Orphanet 805, MedGen C1860707, MONDO:0013199, OMIM 613254.
Lymphangiomyomatosis (LAM). Also called: Lymphangioleiomyomatosis; Lymphangioleiomyomatosis, somatic. Identifiers: Orphanet 538, MedGen C0751674, MONDO:0011705, OMIM 606690.
Isolated focal cortical dysplasia type II (FCORD2). Also called: CORTICAL DYSPLASIA OF TAYLOR; Focal cortical dysplasia type II. Identifiers: Orphanet 268994, MedGen C1846385, MONDO:0011818, OMIM 607341, HP:0032051.
TSC2-related disorder. Also called: TSC2-Related Disorders; TSC2-related condition.
Tuberous sclerosis syndrome (TSC). Also called: Tuberous Sclerosis Complex; Tuberous sclerosis. Identifiers: Orphanet 805, MedGen C0041341, MONDO:0001734.
Hereditary cancer-predisposing syndrome. Also called: Tumor predisposition; Hereditary Cancer Syndrome; Neoplastic Syndromes, Hereditary; Hereditary neoplastic syndrome. Identifiers: Orphanet 140162, MedGen C0027672, MeSH D009386, MONDO:0015356.

Submissions (11):

Labcorp Genetics (formerly Invitae), Labcorp
Classification: Benign for Tuberous sclerosis 2. Last evaluated: 2026-01-20. Review status: criteria provided, single submitter. Criteria: Invitae Variant Classification Sherloc (09022015). Collection method: clinical testing. Allele origin: germline.

Women's Health and Genetics/Laboratory Corporation of America, LabCorp
Classification: Likely benign. Last evaluated: 2025-07-08. Review status: criteria provided, single submitter. Criteria: LabCorp Variant Classification Summary - May 2015. Collection method: clinical testing. Allele origin: germline.
Comment: Variant summary: TSC2 c.4030_4032delGAG (p.Glu1344del) results in an in-frame deletion that is predicted to remove one amino acid from the encoded protein. The variant allele was found at a frequency of 0.00012 in 225452 control chromosomes, predominantly at a frequency of 0.001 within the East Asian subpopulation in the gnomAD database. The observed variant frequency within East Asian control individuals in the gnomAD database is approximately 14.5 fold of the estimated maximal expected allele frequency for a pathogenic variant in TSC2 causing Tuberous Sclerosis Complex phenotype (6.9e-05). To our knowledge, no occurrence of c.4030_4032delGAG in individuals affected with Tuberous Sclerosis Complex and no experimental evidence demonstrating its impact on protein function have been reported. ClinVar contains an entry for this variant (Variation ID: 238039). Based on the evidence outlined above, the variant was classified as likely benign.

Myriad Genetics, Inc.
Classification: Likely benign for Tuberous sclerosis 2. Last evaluated: 2024-08-20. Review status: criteria provided, single submitter. Criteria: Myriad Autosomal Dominant, Autosomal Recessive and X-Linked Classification Criteria (2023). Collection method: clinical testing. Allele origin: unknown.
Comment: This variant is considered likely benign. This variant has been observed at a population frequency that is significantly greater than expected given the associated disease prevalence and penetrance.

Blueprint Genetics
Classification: Likely benign. Last evaluated: 2024-05-03. Review status: criteria provided, single submitter. Criteria: ACMG Guidelines, 2015. Collection method: clinical testing. Allele origin: germline.

CeGaT Center for Human Genetics Tuebingen
Classification: Likely benign. Last evaluated: 2024-02-01. Review status: criteria provided, single submitter. Criteria: CeGaT Center For Human Genetics Tuebingen Variant Classification Criteria Version 2. Collection method: clinical testing. Allele origin: germline. Affected: yes. Observed: 1 variant allele.
Comment: TSC2: BS2

Color Diagnostics, LLC DBA Color Health
Classification: Benign for Tuberous sclerosis syndrome. Last evaluated: 2022-10-05. Review status: criteria provided, single submitter. Criteria: ACMG Guidelines, 2015. Collection method: clinical testing. Allele origin: germline.

Sema4
Classification: Likely benign for Hereditary cancer-predisposing syndrome. Last evaluated: 2022-01-07. Review status: criteria provided, single submitter. Criteria: Sema4 Curation Guidelines. Collection method: curation. Allele origin: germline.

Ambry Genetics
Classification: Likely benign for Hereditary cancer-predisposing syndrome. Last evaluated: 2020-07-01. Review status: criteria provided, single submitter. Criteria: Ambry Variant Classification Scheme 2023. Collection method: clinical testing. Allele origin: germline.

GeneDx
Classification: Likely benign. Last evaluated: 2018-03-08. Review status: criteria provided, single submitter. Criteria: GeneDx Variant Classification (06012015). Collection method: clinical testing. Allele origin: germline. Affected: yes.
Comment: This variant is considered likely benign or benign based on one or more of the following criteria: it is a conservative change, it occurs at a poorly conserved position in the protein, it is predicted to be benign by multiple in silico algorithms, and/or has population frequency not consistent with disease.

Center for Genomics, Ann and Robert H. Lurie Children's Hospital of Chicago
Classification: Uncertain significance for Lymphangiomyomatosis; Isolated focal cortical dysplasia type II; Tuberous sclerosis 2. Review status: criteria provided, single submitter. Criteria: ACMG Guidelines, 2015. Collection method: clinical testing. Allele origin: germline.
Comment: TSC2 NM_000548 exon 34 p.Glu1344del (c.4030_4032delGAG): This variant has not been reported in the literature but is present in 15/17724 East Asian alleles in the Genome Aggregation Database. This variant is present in ClinVar (Variation ID:238039). Evolutionary conservation and computational predictive tools for this variant are limited or unavailable. This variant represents an in-frame deletion of 1 amino acid at position 1344 and is not predicted to alter the reading frame. However, the effect of this variant on the protein is unclear. In summary, data on this variant is insufficient for disease classification. Therefore, the clinical significance of this variant is uncertain.

PreventionGenetics, part of Exact Sciences
Classification: Likely benign for TSC2-related condition. Last evaluated: 2021-02-03. Review status: no assertion criteria provided. Collection method: clinical testing. Allele origin: germline. Not counted in ClinVar's aggregate classification.
Comment: This variant is classified as likely benign based on ACMG/AMP sequence variant interpretation guidelines (Richards et al. 2015 PMID: 25741868, with internal and published modifications).